The following is an entry in ClinVar:

ClinVar aggregate classification (germline): Uncertain significance (1 of 4 stars; one submission).

Conditions:
Progressive familial intrahepatic cholestasis type 2. Identifiers: Orphanet 79304, MedGen C3489789, MONDO:0011156, OMIM 601847.

gnomAD v4.1: 5 of 1,613,962 alleles (0.00031%); highest among the groups gnomAD compares: South Asian, 0.0033%; no homozygotes.

Submission:

Broad Center for Mendelian Genomics, Broad Institute of MIT and Harvard
Classification: Uncertain significance for Progressive familial intrahepatic cholestasis type 2. Last evaluated: 2025-01-24. Review status: criteria provided, single submitter. Criteria: ACMG Guidelines, 2015. Collection method: curation. Allele origin: germline. Inheritance: Autosomal recessive inheritance.
Comment: The p.Ile879Arg variant in ABCB11 has been reported in three individuals with BSEP deficiency (PMID: 28733223, 34961929, 36995996), and has been identified in 0.003% (3/91076) of South Asian chromosomes by the Genome Aggregation Database (gnomAD; dbSNP rs756797612). Although this variant has been seen in the general population in a heterozygous state, its frequency is low enough to be consistent with a recessive carrier frequency. Of the 3 affected individuals, one of those was a homozygote, which increases the likelihood that the p.Ile879Arg variant is pathogenic (PMID: 34961929). Computational prediction tools and conservation analyses suggest that this variant may impact the protein, though this information is not predictive enough to determine pathogenicity. In summary, while there is some suspicion for a pathogenic role, the clinical significance of this variant is uncertain. ACMG/AMP Criteria applied: PP3_moderate, PM2_supporting, PM3_supporting (Richards 2015).

NM_003742.4(ABCB11):c.2636T>G (p.Ile879Arg)

Genes: ABCB11 (ATP binding cassette subfamily B member 11; minus strand), LOC126806400 (CDK7 strongly-dependent group 2 enhancer GRCh37_chr2:169791870-169793069; plus strand). Cytogenetic location: 2q31.1.
Variant type: single nucleotide variant.
Coding change: c.2636T>G on transcript NM_003742.4 (MANE Select); coding-DNA position 2636, T replaced by G.
Protein change: p.Ile879Arg; replaces isoleucine 879 with arginine.
Molecular consequence: missense variant.
Genome position (GRCh38, 1-based): chr2:168,936,408, A>C on the plus strand (T>G on the coding strand, the complement: ABCB11 is on the minus strand). VCF-style: chr2-168936408-A-C. GRCh37 (hg19) VCF-style: chr2-169792918-A-C.
Other names: NM_003742.4:c.2636T>G; short protein forms I879R.
Identifiers: ClinVar variation 3776848 (VCV003776848.1).